The following is an entry in ClinVar:

ClinVar aggregate classification (germline): Uncertain significance (1 of 4 stars; one submission).

Allele frequency attached by ClinVar (database versions not stated): TOPMed below 0.00001; gnomAD exomes 0.00001; ExAC 0.00002.
gnomAD v4.1: 14 of 1,612,884 alleles (0.00087%); highest among the groups gnomAD compares: Admixed American, 0.0017%; no homozygotes.

Submission:

Labcorp Genetics (formerly Invitae), Labcorp
Classification: Uncertain significance. Last evaluated: 2022-08-08. Review status: criteria provided, single submitter. Criteria: Invitae Variant Classification Sherloc (09022015). Collection method: clinical testing. Allele origin: germline.
Comment: This variant has not been reported in the literature in individuals affected with COA7-related conditions. In summary, the available evidence is currently insufficient to determine the role of this variant in disease. Therefore, it has been classified as a Variant of Uncertain Significance. Algorithms developed to predict the effect of missense changes on protein structure and function are either unavailable or do not agree on the potential impact of this missense change (SIFT: "Tolerated"; PolyPhen-2: "Probably Damaging"; Align-GVGD: "Class C0"). This variant is present in population databases (rs767224067, gnomAD 0.005%). This sequence change replaces asparagine, which is neutral and polar, with aspartic acid, which is acidic and polar, at codon 19 of the COA7 protein (p.Asn19Asp).

NM_023077.3(COA7):c.55A>G (p.Asn19Asp)

Gene: COA7 (cytochrome c oxidase assembly factor 7; minus strand). Cytogenetic location: 1p32.3.
Variant type: single nucleotide variant.
Coding change: c.55A>G on transcript NM_023077.3 (MANE Select); coding-DNA position 55, A replaced by G.
Protein change: p.Asn19Asp; replaces asparagine 19 with aspartic acid.
Molecular consequence: missense variant.
Genome position (GRCh38, 1-based): chr1:52,698,272, T>C on the plus strand (A>G on the coding strand, the complement: COA7 is on the minus strand). VCF-style: chr1-52698272-T-C. GRCh37 (hg19) VCF-style: chr1-53163944-T-C.
Other names: short protein forms N19D.
Identifiers: ClinVar variation 1976344 (VCV001976344.3), dbSNP rs767224067, ClinGen allele CA855781.
Genomic context (GRCh38, chr1:52,698,272, plus strand): 5'-GCCGCTCACCGTCCGGGTCCTTCTCGTGGTAGCAGTGGTAGTTGCACTCCACCTCCATGT[T>C]CTCCAAAAAGGACTTGACCTGCTCCTCATCCTGGAAGTCCACCATGCCGGCCATGGTTCG-3'
Protein context (NP_075565.2, residues 9-29): DEEQVKSFLE[Asn19Asp]MEVECNYHCY